The following is an entry in ClinVar:

ClinVar aggregate classification (germline): Uncertain significance. Review status: criteria provided, multiple submitters, no conflicts (2 of 4 stars). 2 submissions from 2 submitters: Uncertain significance (2). Last evaluated 2024-10-03.

Conditions:
Early-infantile DEE. Also called: Ohtahara syndrome; Early infantile epileptic encephalopathy with suppression bursts; Early infantile epileptic encephalopathy. Identifiers: Orphanet 1934, MedGen C0393706, MONDO:0800491.

gnomAD v4.1: 8 of 1,608,856 alleles (0.0005%); highest among the groups gnomAD compares: South Asian, 0.0056%; no homozygotes.

Submissions (2):

Labcorp Genetics (formerly Invitae), Labcorp
Classification: Uncertain significance for Early-infantile DEE. Last evaluated: 2024-10-03. Review status: criteria provided, single submitter. Criteria: Invitae Variant Classification Sherloc (09022015). Collection method: clinical testing. Allele origin: germline.
Comment: This sequence change replaces glutamic acid, which is acidic and polar, with lysine, which is basic and polar, at codon 513 of the SCN8A protein (p.Glu513Lys). The frequency data for this variant in the population databases is considered unreliable, as metrics indicate poor data quality at this position in the gnomAD database. This variant has not been reported in the literature in individuals affected with SCN8A-related conditions. Invitae Evidence Modeling of protein sequence and biophysical properties (such as structural, functional, and spatial information, amino acid conservation, physicochemical variation, residue mobility, and thermodynamic stability) indicates that this missense variant is not expected to disrupt SCN8A protein function with a negative predictive value of 95%. In summary, the available evidence is currently insufficient to determine the role of this variant in disease. Therefore, it has been classified as a Variant of Uncertain Significance.

Mayo Clinic Laboratories, Mayo Clinic
Classification: Uncertain significance. Last evaluated: 2022-01-10. Review status: criteria provided, single submitter. Criteria: ACMG Guidelines, 2015. Collection method: clinical testing. Allele origin: germline. Observed: 1 variant allele.
Comment: BP5

NM_001330260.2(SCN8A):c.1537G>A (p.Glu513Lys)

Gene: SCN8A (sodium voltage-gated channel alpha subunit 8; plus strand). Cytogenetic location: 12q13.13.
Variant type: single nucleotide variant.
Coding change: c.1537G>A on transcript NM_001330260.2 (MANE Select); coding-DNA position 1537, G replaced by A.
Protein change: p.Glu513Lys; replaces glutamic acid 513 with lysine.
Molecular consequence: missense variant.
Genome position (GRCh38, 1-based): chr12:51,706,617, G>A. VCF-style: chr12-51706617-G-A. GRCh37 (hg19) VCF-style: chr12-52100401-G-A.
Other names: p.Glu513Lys; c.1537G>A, p.Glu513Lys (NM_001177984.3, NM_001369788.1, NM_014191.4); short protein forms E513K.
Identifiers: ClinVar variation 2683201 (VCV002683201.3), dbSNP rs1246972517, ClinGen allele CA385229021.